The following is an entry in ClinVar:

ClinVar aggregate classification (germline): Uncertain significance (1 of 4 stars; one submission).

Conditions:
Bethlem myopathy 2 (BTHLM2). Identifiers: Orphanet 536516, Orphanet 610, MedGen C4225313, MONDO:0034022, OMIM 616471.
Ullrich congenital muscular dystrophy 2 (UCMD2). Identifiers: Orphanet 75840, MedGen C4225314, MONDO:0014654, OMIM 616470.

gnomAD v4.1: 1 of 1,614,052 alleles (0.000062%); highest among the groups gnomAD compares: Non-Finnish European, 0.000085%; no homozygotes.

Submission:

Labcorp Genetics (formerly Invitae), Labcorp
Classification: Uncertain significance for Bethlem myopathy 2; Ullrich congenital muscular dystrophy 2. Last evaluated: 2025-02-09. Review status: criteria provided, single submitter. Criteria: Invitae Variant Classification Sherloc (09022015). Collection method: clinical testing. Allele origin: germline.
Comment: This sequence change replaces aspartic acid, which is acidic and polar, with glycine, which is neutral and non-polar, at codon 893 of the COL12A1 protein (p.Asp893Gly). This variant is not present in population databases (gnomAD no frequency). This variant has not been reported in the literature in individuals affected with COL12A1-related conditions. Invitae Evidence Modeling of protein sequence and biophysical properties (such as structural, functional, and spatial information, amino acid conservation, physicochemical variation, residue mobility, and thermodynamic stability) indicates that this missense variant is not expected to disrupt COL12A1 protein function with a negative predictive value of 80%. In summary, the available evidence is currently insufficient to determine the role of this variant in disease. Therefore, it has been classified as a Variant of Uncertain Significance.

NM_004370.6(COL12A1):c.2678A>G (p.Asp893Gly)

Gene: COL12A1 (collagen type XII alpha 1 chain; minus strand). Cytogenetic location: 6q13.
Variant type: single nucleotide variant.
Coding change: c.2678A>G on transcript NM_004370.6 (MANE Select); coding-DNA position 2678, A replaced by G.
Protein change: p.Asp893Gly; replaces aspartic acid 893 with glycine.
Molecular consequence: missense variant. On other transcripts: intron variant (3).
Genome position (GRCh38, 1-based): chr6:75,175,070, T>C on the plus strand (A>G on the coding strand, the complement: COL12A1 is on the minus strand). VCF-style: chr6-75175070-T-C. GRCh37 (hg19) VCF-style: chr6-75884786-T-C.
Other names: c.2678A>G, p.Asp893Gly (NM_001424113.1, NM_001424114.1); c.74-22588A>G (NM_001424116.1, NM_080645.3); c.2437+2593A>G (NM_001424115.1); short protein forms D893G.
Identifiers: ClinVar variation 4791947 (VCV004791947.1).
Genomic context (GRCh38, chr6:75,175,070, plus strand): 5'-GATTTTCAGAAAATATGATGGTAATTACCTTCAAGTGTTGTTCCTTCACCAAAGAGGGCG[T>C]CTCCAGCCCCAGACGCATACAAGGCTGTCACAGATAAGGCGTATTGTGTCCCTTCCTTCA-3'
Protein context (NP_004361.3, residues 883-903): VTALYASGAG[Asp893Gly]ALFGEGTTLE